The following is an entry in ClinVar:

NM_000687.4(AHCY):c.1280C>T (p.Pro427Leu)

Gene: AHCY (adenosylhomocysteinase; minus strand). Cytogenetic location: 20q11.22.
Variant type: single nucleotide variant.
Coding change: c.1280C>T on transcript NM_000687.4 (MANE Select); coding-DNA position 1280, C replaced by T.
Protein change: p.Pro427Leu; replaces proline 427 with leucine.
Molecular consequence: missense variant.
Genome position (GRCh38, 1-based): chr20:34,281,053, G>A on the plus strand (C>T on the coding strand, the complement: AHCY is on the minus strand). VCF-style: chr20-34281053-G-A. GRCh37 (hg19) VCF-style: chr20-32868859-G-A.
Other names: c.1196C>T, p.Pro399Leu (NM_001161766.2, NM_001322084.2, NM_001322085.2); c.1286C>T, p.Pro429Leu (NM_001322086.2); c.1280C>T, p.Pro427Leu (NM_001362750.2); short protein forms P399L, P427L, P429L.
Identifiers: ClinVar variation 1697191 (VCV001697191.5), dbSNP rs377090568, ClinGen allele CA9820734.

ClinVar aggregate classification (germline): Uncertain significance. Review status: criteria provided, multiple submitters, no conflicts (2 of 4 stars). 2 submissions from 2 submitters: Uncertain significance (2). Last evaluated 2025-11-25.

Conditions:
Inborn genetic diseases. Identifiers: MedGen C0950123, MeSH D030342.

Allele frequency attached by ClinVar (database versions not stated): gnomAD exomes below 0.00001 and 0.00002; TOPMed 0.00002; 1000 Genomes Project 30x 0.00016; ExAC 0.00002; ESP Exome Variant Server 0.00008; gnomAD 0.00004; 1000 Genomes Project 0.00020.
gnomAD v4.1: 31 of 1,614,142 alleles (0.0019%); highest among the groups gnomAD compares: African/African-American, 0.004%; no homozygotes.

Submissions (2):

Ambry Genetics
Classification: Uncertain significance for Inborn genetic diseases. Last evaluated: 2025-11-25. Review status: criteria provided, single submitter. Criteria: Ambry Variant Classification Scheme 2023. Collection method: clinical testing. Allele origin: germline.

GeneDx
Classification: Uncertain significance. Last evaluated: 2022-01-14. Review status: criteria provided, single submitter. Criteria: GeneDx Variant Classification Process June 2021. Collection method: clinical testing. Allele origin: germline. Affected: yes.
Comment: Has not been previously published as pathogenic or benign to our knowledge; In silico analysis supports that this missense variant has a deleterious effect on protein structure/function